The following is an entry in ClinVar:

NM_001430.5(EPAS1):c.1487T>C (p.Leu496Pro)

Gene: EPAS1 (endothelial PAS domain protein 1; plus strand). Cytogenetic location: 2p21.
Variant type: single nucleotide variant.
Coding change: c.1487T>C on transcript NM_001430.5 (MANE Select); coding-DNA position 1487, T replaced by C.
Protein change: p.Leu496Pro; replaces leucine 496 with proline.
Molecular consequence: missense variant.
Genome position (GRCh38, 1-based): chr2:46,378,700, T>C. VCF-style: chr2-46378700-T-C. GRCh37 (hg19) VCF-style: chr2-46605839-T-C.
Other names: short protein forms L496P.
Identifiers: ClinVar variation 3508955 (VCV003508955.1).

ClinVar aggregate classification (germline): Uncertain significance (1 of 4 stars; one submission).

Conditions:
Inborn genetic diseases. Identifiers: MedGen C0950123, MeSH D030342.

gnomAD v4.1: 2 of 1,614,178 alleles (0.00012%); highest among the groups gnomAD compares: Non-Finnish European, 0.000085%; no homozygotes.

Submission:

Ambry Genetics
Classification: Uncertain significance for Inborn genetic diseases. Last evaluated: 2024-07-24. Review status: criteria provided, single submitter. Criteria: Ambry Variant Classification Scheme 2023. Collection method: clinical testing. Allele origin: germline.
Comment: The p.L496P variant (also known as c.1487T>C), located in coding exon 11 of the EPAS1 gene, results from a T to C substitution at nucleotide position 1487. The leucine at codon 496 is replaced by proline, an amino acid with similar properties. This amino acid position is conserved. In addition, this alteration is predicted to be deleterious by in silico analysis. Based on the available evidence, the clinical significance of this variant remains unclear.